The following is an entry in ClinVar:

ClinVar aggregate classification (germline): Uncertain significance (1 of 4 stars; one submission).

Conditions:
Diamond-Blackfan anemia. Also called: Blackfan Diamond syndrome; Aregenerative anemia chronic congenital; Red cell aplasia, pure hereditary; Congenital hypoplastic anemia; Aase syndrome. Identifiers: Orphanet 124, MedGen C1260899, MeSH D029503, MONDO:0015253, HP:0004810.

Allele frequency attached by ClinVar (database versions not stated): gnomAD exomes below 0.00001; TOPMed below 0.00001; ExAC 0.00001.
gnomAD v4.1: 2 of 1,613,724 alleles (0.00012%); highest among the groups gnomAD compares: Admixed American, 0.0033%; no homozygotes.

Submission:

Labcorp Genetics (formerly Invitae), Labcorp
Classification: Uncertain significance for Diamond-Blackfan anemia. Last evaluated: 2026-01-19. Review status: criteria provided, single submitter. Criteria: Invitae Variant Classification Sherloc (09022015). Collection method: clinical testing. Allele origin: germline.
Comment: This sequence change replaces threonine, which is neutral and polar, with alanine, which is neutral and non-polar, at codon 76 of the RPS19 protein (p.Thr76Ala). This variant is present in population databases (rs781998524, gnomAD 0.006%). This variant has not been reported in the literature in individuals affected with RPS19-related conditions. ClinVar contains an entry for this variant (Variation ID: 2853086). An algorithm developed to predict the effect of missense changes on protein structure and function (PolyPhen-2) suggests that this variant is likely to be tolerated. In summary, the available evidence is currently insufficient to determine the role of this variant in disease. Therefore, it has been classified as a Variant of Uncertain Significance.

NM_001022.4(RPS19):c.226A>G (p.Thr76Ala)

Genes: RPS19 (ribosomal protein S19; plus strand), RPS19-CD79A (RPS19-CD79A readthrough; plus strand). Cytogenetic location: 19q13.2.
Variant type: single nucleotide variant.
Coding change: c.226A>G on transcript NM_001022.4 (MANE Select); coding-DNA position 226, A replaced by G.
Protein change: p.Thr76Ala; replaces threonine 76 with alanine.
Molecular consequence: missense variant.
Genome position (GRCh38, 1-based): chr19:41,869,084, A>G. VCF-style: chr19-41869084-A-G. GRCh37 (hg19) VCF-style: chr19-42373154-A-G.
Other names: c.226A>G, p.Thr76Ala (NM_001321483.2, NM_001321484.2); c.239A>G, p.Asp80Gly (NM_001321485.2); short protein forms T76A, D80G.
Identifiers: ClinVar variation 2853086 (VCV002853086.3), dbSNP rs781998524, ClinGen allele CA9465350.